The following is an entry in ClinVar:

NM_000289.6(PFKM):c.160-295A>G

Gene: PFKM (phosphofructokinase, muscle; plus strand). Cytogenetic location: 12q13.11.
Variant type: single nucleotide variant.
Coding change: c.160-295A>G on transcript NM_000289.6 (MANE Select); 295 bases into the intron before coding-DNA position 160, A replaced by G.
Molecular consequence: intron variant.
Genome position (GRCh38, 1-based): chr12:48,131,021, A>G. VCF-style: chr12-48131021-A-G. GRCh37 (hg19) VCF-style: chr12-48524804-A-G.
Other names: c.184-295A>G (NM_001354741.2); c.160-295A>G (NM_001354742.2, NM_001354743.2, NM_001354744.2 and 4 more transcripts); c.10-295A>G (NM_001354747.2, NM_001354748.2); c.373-295A>G (NM_001166686.2, NM_001354737.1, NM_001354739.1 and 1 more transcripts); c.469-295A>G (NM_001354736.1, NM_001354735.1); c.304-295A>G (NM_001354740.1); c.73-295A>G (NM_001354745.2).
Identifiers: ClinVar variation 683490 (VCV000683490.1), dbSNP rs1476607, ClinGen allele CA15730335.

ClinVar aggregate classification (germline): Benign (1 of 4 stars; one submission).

Allele frequency attached by ClinVar (database versions not stated): gnomAD 0.73160 and 0.73200; TOPMed 0.75048; 1000 Genomes Project 0.81889; 1000 Genomes Project 30x 0.82308.

Submission:

GeneDx
Classification: Benign. Last evaluated: 2018-06-14. Review status: criteria provided, single submitter. Criteria: GeneDx Variant Classification (06012015). Collection method: clinical testing. Allele origin: germline. Affected: yes.
Comment: This variant is considered likely benign or benign based on one or more of the following criteria: it is a conservative change, it occurs at a poorly conserved position in the protein, it is predicted to be benign by multiple in silico algorithms, and/or has population frequency not consistent with disease.